The following is an entry in ClinVar:

ClinVar aggregate classification (germline): Uncertain significance. Review status: criteria provided, multiple submitters, no conflicts (2 of 4 stars). 2 submissions from 2 submitters: Uncertain significance (2). Last evaluated 2024-12-17.

Conditions:
Congenital myasthenic syndrome 8. Also called: Myasthenic syndrome, congenital, 8, with pre- and postsynaptic defects; MYASTHENIC SYNDROME, CONGENITAL, DUE TO AGRIN DEFICIENCY. Identifiers: Orphanet 590, MedGen C3808739, MONDO:0014052, OMIM 615120.
Inborn genetic diseases. Identifiers: MedGen C0950123, MeSH D030342.

Allele frequency attached by ClinVar (database versions not stated): gnomAD 0.00003 and 0.00004; gnomAD exomes 0.00003; ExAC 0.00004; TOPMed 0.00004; ESP Exome Variant Server 0.00008.
gnomAD v4.1: 58 of 1,600,788 alleles (0.0036%); highest among the groups gnomAD compares: East Asian, 0.0089%; no homozygotes.

Submissions (2):

Labcorp Genetics (formerly Invitae), Labcorp
Classification: Uncertain significance for Congenital myasthenic syndrome 8. Last evaluated: 2024-12-17. Review status: criteria provided, single submitter. Criteria: Invitae Variant Classification Sherloc (09022015). Collection method: clinical testing. Allele origin: germline.
Comment: This sequence change replaces valine, which is neutral and non-polar, with methionine, which is neutral and non-polar, at codon 582 of the AGRN protein (p.Val582Met). This variant is present in population databases (rs141661464, gnomAD 0.006%). This variant has not been reported in the literature in individuals affected with AGRN-related conditions. ClinVar contains an entry for this variant (Variation ID: 568575). An algorithm developed to predict the effect of missense changes on protein structure and function (PolyPhen-2) suggests that this variant is likely to be disruptive. In summary, the available evidence is currently insufficient to determine the role of this variant in disease. Therefore, it has been classified as a Variant of Uncertain Significance.

Ambry Genetics
Classification: Uncertain significance for Inborn genetic diseases. Last evaluated: 2024-12-11. Review status: criteria provided, single submitter. Criteria: Ambry Variant Classification Scheme 2023. Collection method: clinical testing. Allele origin: germline.

NM_198576.4(AGRN):c.1744G>A (p.Val582Met)

Gene: AGRN (agrin; plus strand). Cytogenetic location: 1p36.33.
Variant type: single nucleotide variant.
Coding change: c.1744G>A on transcript NM_198576.4 (MANE Select); coding-DNA position 1744, G replaced by A.
Protein change: p.Val582Met; replaces valine 582 with methionine.
Molecular consequence: missense variant.
Genome position (GRCh38, 1-based): chr1:1,043,678, G>A. VCF-style: chr1-1043678-G-A. GRCh37 (hg19) VCF-style: chr1-979058-G-A.
Other names: c.1744G>A, p.Val582Met (NM_001305275.2); c.1429G>A, p.Val477Met (NM_001364727.2); short protein forms V582M, V477M.
Identifiers: ClinVar variation 568575 (VCV000568575.8), dbSNP rs141661464, ClinGen allele CA508313.